The following is an entry in ClinVar:

ClinVar aggregate classification (germline): Uncertain significance (1 of 4 stars; one submission).

Conditions:
GNAS-related disorder. Identifiers: MedGen CN380105.

gnomAD v4.1: 12 of 1,605,498 alleles (0.00075%); highest among the groups gnomAD compares: Admixed American, 0.014%; no homozygotes.

Submission:

PreventionGenetics, part of Exact Sciences
Classification: Uncertain significance for GNAS-related condition. Last evaluated: 2026-04-06. Review status: criteria provided, single submitter. Criteria: ACMG Guidelines, 2015. Collection method: clinical testing. Allele origin: germline.
Comment: The GNAS c.1035G>C variant is predicted to result in the amino acid substitution p.Lys345Asn. This variant is pre-coding in the HGMD primary transcript (NM_000516.5:c.-37427G>C). To our knowledge, this variant has not been reported in the literature. This variant is reported in 0.0060% of alleles in individuals of Latino descent in gnomAD. Although we suspect that this variant may be benign, at this time, the clinical significance of this variant is uncertain due to the absence of conclusive functional and genetic evidence.

NM_080425.4(GNAS):c.1035G>C (p.Lys345Asn)

Gene: GNAS (GNAS complex locus; plus strand). Cytogenetic location: 20q13.32.
Variant type: single nucleotide variant.
Coding change: c.1035G>C on transcript NM_080425.4 (MANE Plus Clinical); coding-DNA position 1035, G replaced by C.
Protein change: p.Lys345Asn; replaces lysine 345 with asparagine.
Molecular consequence: missense variant. On other transcripts: intron variant (3).
Genome position (GRCh38, 1-based): chr20:58,854,300, G>C. VCF-style: chr20-58854300-G-C. GRCh37 (hg19) VCF-style: chr20-57429355-G-C.
Other names: c.848G>C, p.Arg283Thr (NM_001077490.3, NM_001309883.1); c.1035G>C, p.Lys345Asn (NM_001410913.1); c.*42+13414G>C (NM_016592.5); c.43+13414G>C (NM_001410912.1); c.-39+12425G>C (NM_001309861.2); short protein forms K345N, R283T.
Identifiers: ClinVar variation 3355236 (VCV003355236.2).